The following is an entry in ClinVar:

NM_020778.5(ALPK3):c.1303C>A (p.Gln435Lys)

Gene: ALPK3 (alpha kinase 3; plus strand). Cytogenetic location: 15q25.3.
Variant type: single nucleotide variant.
Coding change: c.1303C>A on transcript NM_020778.5 (MANE Select); coding-DNA position 1303, C replaced by A.
Protein change: p.Gln435Lys; replaces glutamine 435 with lysine.
Molecular consequence: missense variant.
Genome position (GRCh38, 1-based): chr15:84,840,582, C>A. VCF-style: chr15-84840582-C-A. GRCh37 (hg19) VCF-style: chr15-85383813-C-A.
Other names: short protein forms Q435K.
Identifiers: ClinVar variation 1782457 (VCV001782457.7), dbSNP rs568908757, ClinGen allele CA7709159.

ClinVar aggregate classification (germline): Uncertain significance. Review status: criteria provided, multiple submitters, no conflicts (2 of 4 stars). 2 submissions from 2 submitters: Uncertain significance (2). Last evaluated 2025-07-29.

Conditions:
Cardiovascular phenotype. Identifiers: MedGen CN230736.

Allele frequency attached by ClinVar (database versions not stated): gnomAD 0.00001; gnomAD exomes 0.00002; ExAC 0.00003; TOPMed 0.00003; 1000 Genomes Project 30x 0.00016; 1000 Genomes Project 0.00020.
gnomAD v4.1: 11 of 1,575,252 alleles (0.0007%); highest among the groups gnomAD compares: African/African-American, 0.0095%; no homozygotes.

Submissions (2):

Labcorp Genetics (formerly Invitae), Labcorp
Classification: Uncertain significance. Last evaluated: 2025-07-29. Review status: criteria provided, single submitter. Criteria: Invitae Variant Classification Sherloc (09022015). Collection method: clinical testing. Allele origin: germline.
Comment: This sequence change replaces glutamine, which is neutral and polar, with lysine, which is basic and polar, at codon 637 of the ALPK3 protein (p.Gln637Lys). This variant is present in population databases (rs568908757, gnomAD 0.03%). This variant has not been reported in the literature in individuals affected with ALPK3-related conditions. ClinVar contains an entry for this variant (Variation ID: 1782457). Invitae Evidence Modeling of protein sequence and biophysical properties (such as structural, functional, and spatial information, amino acid conservation, physicochemical variation, residue mobility, and thermodynamic stability) indicates that this missense variant is not expected to disrupt ALPK3 protein function with a negative predictive value of 80%. In summary, the available evidence is currently insufficient to determine the role of this variant in disease. Therefore, it has been classified as a Variant of Uncertain Significance.

Ambry Genetics
Classification: Uncertain significance for Cardiovascular phenotype. Last evaluated: 2021-03-01. Review status: criteria provided, single submitter. Criteria: Ambry Variant Classification Scheme 2023. Collection method: clinical testing. Allele origin: germline.
Comment: The p.Q637K variant (also known as c.1909C>A), located in coding exon 5 of the ALPK3 gene, results from a C to A substitution at nucleotide position 1909. The glutamine at codon 637 is replaced by lysine, an amino acid with similar properties. This amino acid position is not well conserved in available vertebrate species. In addition, this alteration is predicted to be tolerated by in silico analysis. Since supporting evidence is limited at this time, the clinical significance of this alteration remains unclear.